The following is an entry in ClinVar:

NM_001378024.1(ARHGAP32):c.1299C>T (p.Arg433=)

Gene: ARHGAP32 (Rho GTPase activating protein 32; minus strand). Cytogenetic location: 11q24.3.
Variant type: single nucleotide variant.
Coding change: c.1299C>T on transcript NM_001378024.1 (MANE Select); coding-DNA position 1299, C replaced by T.
Protein change: p.Arg433=; no amino-acid change (arginine 433 retained).
Molecular consequence: synonymous variant.
Genome position (GRCh38, 1-based): chr11:128,986,668, G>A on the plus strand (C>T on the coding strand, the complement: ARHGAP32 is on the minus strand). VCF-style: chr11-128986668-G-A. GRCh37 (hg19) VCF-style: chr11-128856563-G-A.
Other names: c.1257C>T, p.Arg419= (NM_001142685.2); c.1137C>T, p.Arg379= (NM_001378025.1); c.210C>T, p.Arg70= (NM_014715.4).
Identifiers: ClinVar variation 3040120 (VCV003040120.3), dbSNP rs142881922, ClinGen allele CA6359211.
Genomic context (GRCh38, chr11:128,986,668, plus strand): 5'-GATGTCCTGAACATACGGTTCTTTCGTCAGGTCGGGGACGTGCTCAGAGTCAAATTCATG[G>A]CTGACGTAGACAGAAGAGGACAAGCAAATCATTTGATTGAGGAGAGCAAATATGTGTCTT-3'
Protein context (NP_001364953.1, residues 423-443): SGVASNIQRL[Arg433=]HEFDSEHVPD

ClinVar aggregate classification (germline): Likely benign. Review status: criteria provided, single submitter (1 of 4 stars). 2 submissions from 2 submitters: Likely benign (1). 1 of the submissions does not count toward it. Last evaluated 2025-08-06.

Conditions:
ARHGAP32-related disorder. Also called: ARHGAP32-related condition.

Allele frequency attached by ClinVar (database versions not stated): gnomAD exomes 0.00006; ExAC 0.00026; 1000 Genomes Project 30x 0.00031; 1000 Genomes Project 0.00040; gnomAD 0.00064; TOPMed 0.00066; ESP Exome Variant Server 0.00069.
gnomAD v4.1: 190 of 1,613,728 alleles (0.012%); highest among the groups gnomAD compares: African/African-American, 0.24%; no homozygotes.

Submissions (2):

Ambry Genetics
Classification: Likely benign. Last evaluated: 2025-08-06. Review status: criteria provided, single submitter. Criteria: Ambry Variant Classification Scheme 2023. Collection method: clinical testing. Allele origin: germline.

PreventionGenetics, part of Exact Sciences
Classification: Likely benign for ARHGAP32-related condition. Last evaluated: 2019-03-25. Review status: no assertion criteria provided. Collection method: clinical testing. Allele origin: germline. Not counted in ClinVar's aggregate classification.
Comment: This variant is classified as likely benign based on ACMG/AMP sequence variant interpretation guidelines (Richards et al. 2015 PMID: 25741868, with internal and published modifications).